The following is an entry in ClinVar:

ClinVar aggregate classification (germline): Uncertain significance (1 of 4 stars; one submission).

Conditions:
Hereditary pancreatitis (PCTT). Also called: Hereditary chronic pancreatitis; PRSS1-Related Hereditary Pancreatitis. Identifiers: Orphanet 676, MedGen C0238339, MONDO:0008185, OMIM 167800.

Allele frequency attached by ClinVar (database versions not stated): ExAC 0.00001; gnomAD 0.00001; TOPMed 0.00001; ESP Exome Variant Server 0.00008.
gnomAD v4.1: 1 of 1,613,982 alleles (0.000062%); highest among the groups gnomAD compares: Non-Finnish European, 0.000085%; no homozygotes.

Submission:

Ambry Genetics
Classification: Uncertain significance for Hereditary pancreatitis. Last evaluated: 2024-03-22. Review status: criteria provided, single submitter. Criteria: Ambry Variant Classification Scheme 2023. Collection method: clinical testing. Allele origin: germline.
Comment: The p.A336S variant (also known as c.1006G>T), located in coding exon 9 of the CPA1 gene, results from a G to T substitution at nucleotide position 1006. The alanine at codon 336 is replaced by serine, an amino acid with similar properties. This amino acid position is conserved. In addition, this alteration is predicted to be tolerated by in silico analysis. Since supporting evidence is limited at this time, the clinical significance of this alteration remains unclear.

NM_001868.4(CPA1):c.1006G>T (p.Ala336Ser)

Gene: CPA1 (carboxypeptidase A1; plus strand). Cytogenetic location: 7q32.2.
Variant type: single nucleotide variant.
Coding change: c.1006G>T on transcript NM_001868.4 (MANE Select); coding-DNA position 1006, G replaced by T.
Protein change: p.Ala336Ser; replaces alanine 336 with serine.
Molecular consequence: missense variant.
Genome position (GRCh38, 1-based): chr7:130,385,857, G>T. VCF-style: chr7-130385857-G-T. GRCh37 (hg19) VCF-style: chr7-130025698-G-T.
Other names: short protein forms A336S.
Identifiers: ClinVar variation 1785634 (VCV001785634.3), dbSNP rs375136235, ClinGen allele CA4485027.